The following is an entry in ClinVar:

NM_001286.5(CLCN6):c.1225G>A (p.Gly409Ser)

Gene: CLCN6 (chloride voltage-gated channel 6; plus strand). Cytogenetic location: 1p36.22.
Variant type: single nucleotide variant.
Coding change: c.1225G>A on transcript NM_001286.5 (MANE Select); coding-DNA position 1225, G replaced by A.
Protein change: p.Gly409Ser; replaces glycine 409 with serine.
Molecular consequence: missense variant. On other transcripts: non-coding transcript variant (1).
Genome position (GRCh38, 1-based): chr1:11,829,299, G>A. VCF-style: chr1-11829299-G-A. GRCh37 (hg19) VCF-style: chr1-11889356-G-A.
Other names: c.1159G>A, p.Gly387Ser (NM_001256959.2); short protein forms G409S, G387S.
Identifiers: ClinVar variation 1345740 (VCV001345740.6), dbSNP rs368079283, ClinGen allele CA596392.

ClinVar aggregate classification (germline): Uncertain significance (1 of 4 stars; one submission).

Allele frequency attached by ClinVar (database versions not stated): gnomAD 0.00001; gnomAD exomes 0.00001 and 0.00006; ExAC 0.00002; TOPMed 0.00004; ESP Exome Variant Server 0.00008.
gnomAD v4.1: 92 of 1,613,970 alleles (0.0057%); highest among the groups gnomAD compares: Non-Finnish European, 0.0074%; 1 homozygote.

Submission:

Labcorp Genetics (formerly Invitae), Labcorp
Classification: Uncertain significance. Last evaluated: 2025-10-17. Review status: criteria provided, single submitter. Criteria: Invitae Variant Classification Sherloc (09022015). Collection method: clinical testing. Allele origin: germline.
Comment: This sequence change replaces glycine, which is neutral and non-polar, with serine, which is neutral and polar, at codon 409 of the CLCN6 protein (p.Gly409Ser). This variant is present in population databases (rs368079283, gnomAD 0.003%). This variant has not been reported in the literature in individuals affected with CLCN6-related conditions. ClinVar contains an entry for this variant (Variation ID: 1345740). An algorithm developed to predict the effect of missense changes on protein structure and function outputs the following: PolyPhen-2: "Benign". The serine amino acid residue is found in multiple mammalian species, which suggests that this missense change does not adversely affect protein function. In summary, the available evidence is currently insufficient to determine the role of this variant in disease. Therefore, it has been classified as a Variant of Uncertain Significance.